The following is an entry in ClinVar:

NM_020911.2(PLXNA4):c.1757A>C (p.Glu586Ala)

Gene: PLXNA4 (plexin A4; minus strand). Cytogenetic location: 7q32.3.
Variant type: single nucleotide variant.
Coding change: c.1757A>C on transcript NM_020911.2 (MANE Select); coding-DNA position 1757, A replaced by C.
Protein change: p.Glu586Ala; replaces glutamic acid 586 with alanine.
Molecular consequence: missense variant.
Genome position (GRCh38, 1-based): chr7:132,227,576, T>G on the plus strand (A>C on the coding strand, the complement: PLXNA4 is on the minus strand). VCF-style: chr7-132227576-T-G. GRCh37 (hg19) VCF-style: chr7-131912335-T-G.
Other names: c.1757A>C, p.Glu586Ala (NM_001393897.1); short protein forms E586A.
Identifiers: ClinVar variation 3358601 (VCV003358601.2).
Genomic context (GRCh38, chr7:132,227,576, plus strand): 5'-ACGACCAGCCCATCCATCTCTGACAGGTCCTCAAAGGTGCAGTTGACGCCAGCTGACAGC[T>G]CCGGGACATTGTACGTCTCCAGGACCAGCTGTGAACAGCCAGGCGGGGGGAGAGAAGGAG-3'
Protein context (NP_065962.1, residues 576-596): LLVLETYNVP[Glu586Ala]LSAGVNCTFE

ClinVar aggregate classification (germline): Uncertain significance. Review status: criteria provided, single submitter (1 of 4 stars). 2 submissions from 2 submitters: Uncertain significance (1). 1 of the submissions does not count toward it. Last evaluated 2025-11-26.

Conditions:
PLXNA4-related disorder. Also called: PLXNA4-related condition.

Submissions (2):

Ambry Genetics
Classification: Uncertain significance. Last evaluated: 2025-11-26. Review status: criteria provided, single submitter. Criteria: Ambry Variant Classification Scheme 2023. Collection method: clinical testing. Allele origin: germline.

PreventionGenetics, part of Exact Sciences
Classification: Uncertain significance for PLXNA4-related condition. Last evaluated: 2024-03-25. Review status: no assertion criteria provided. Collection method: clinical testing. Allele origin: germline. Not counted in ClinVar's aggregate classification.
Comment: The PLXNA4 c.1757A>C variant is predicted to result in the amino acid substitution p.Glu586Ala. To our knowledge, this variant has not been reported in the literature or in a large population database, indicating this variant is rare. At this time, the clinical significance of this variant is uncertain due to the absence of conclusive functional and genetic evidence.